The following is an entry in ClinVar:

ClinVar aggregate classification (germline): Pathogenic (1 of 4 stars; one submission).

Conditions:
Primary ciliary dyskinesia. Also called: Ciliary dyskinesia. Identifiers: Orphanet 244, MedGen C0008780, MONDO:0016575, HP:0012265.

Submission:

Labcorp Genetics (formerly Invitae), Labcorp
Classification: Pathogenic for Primary ciliary dyskinesia. Last evaluated: 2021-06-05. Review status: criteria provided, single submitter. Criteria: Invitae Variant Classification Sherloc (09022015). Collection method: clinical testing. Allele origin: germline.
Comment: This sequence change creates a premature translational stop signal (p.Gln1861Hisfs*2) in the DNAH5 gene. It is expected to result in an absent or disrupted protein product. Loss-of-function variants in DNAH5 are known to be pathogenic (PMID: 11788826, 16627867). This variant is not present in population databases (ExAC no frequency). This variant has not been reported in the literature in individuals with DNAH5-related conditions. For these reasons, this variant has been classified as Pathogenic.

Literature cited by the submitters: PubMed 11788826; PubMed 16627867.

NM_001369.3(DNAH5):c.5576_5582dup (p.Gln1861delinsHisTer)

Gene: DNAH5 (dynein axonemal heavy chain 5; minus strand). Cytogenetic location: 5p15.2.
Variant type: Duplication.
Coding change: c.5576_5582dup on transcript NM_001369.3 (MANE Select); coding-DNA positions 5576 to 5582, 7 bases duplicated (CTAATCA; older notation c.5576_5582dupCTAATCA).
Protein change: p.Gln1861delinsHisTer.
Molecular consequence: nonsense.
Genome position (GRCh38, 1-based): chr5:13,841,033-13,841,039, TGATTAG duplicated on the plus strand (CTAATCA on the coding strand, the reverse complement: DNAH5 is on the minus strand); duplicating any 7 consecutive bases within chr5:13,841,033-13,841,040 gives the same sequence; the c. name uses the placement nearest the transcript's 3' end. VCF-style (leftmost placement, unchanged base first): chr5-13841032-C-CTGATTAG. GRCh37 (hg19) VCF-style: chr5-13841141-C-CTGATTAG.
Identifiers: ClinVar variation 1455074 (VCV001455074.6), dbSNP rs2151860358, ClinGen allele CA2573138476.